The following is an entry in ClinVar:

NM_001376.5(DYNC1H1):c.5716+294A>T

Gene: DYNC1H1 (dynein cytoplasmic 1 heavy chain 1; plus strand). Cytogenetic location: 14q32.31.
Variant type: single nucleotide variant.
Coding change: c.5716+294A>T on transcript NM_001376.5 (MANE Select); 294 bases into the intron after coding-DNA position 5716, A replaced by T.
Molecular consequence: intron variant.
Genome position (GRCh38, 1-based): chr14:102,006,464, A>T. VCF-style: chr14-102006464-A-T. GRCh37 (hg19) VCF-style: chr14-102472801-A-T.
Identifiers: ClinVar variation 674205 (VCV000674205.1), dbSNP rs17512334, ClinGen allele CA266998762.

ClinVar aggregate classification (germline): Benign (1 of 4 stars; one submission).

Allele frequency attached by ClinVar (database versions not stated): gnomAD 0.01505 and 0.01615; TOPMed 0.01690; 1000 Genomes Project 0.01797; 1000 Genomes Project 30x 0.01921.
gnomAD v4.1: 2,279 of 152,198 alleles (1.5%); highest among the groups gnomAD compares: African/African-American, 5.2%; 67 homozygotes.

Submission:

GeneDx
Classification: Benign. Last evaluated: 2018-06-19. Review status: criteria provided, single submitter. Criteria: GeneDx Variant Classification (06012015). Collection method: clinical testing. Allele origin: germline. Affected: yes.
Comment: This variant is considered likely benign or benign based on one or more of the following criteria: it is a conservative change, it occurs at a poorly conserved position in the protein, it is predicted to be benign by multiple in silico algorithms, and/or has population frequency not consistent with disease.